The following is an entry in ClinVar:

NM_015272.5(RPGRIP1L):c.2956G>C (p.Asp986His)

Gene: RPGRIP1L (RPGRIP1 like; minus strand). Cytogenetic location: 16q12.2.
Variant type: single nucleotide variant.
Coding change: c.2956G>C on transcript NM_015272.5 (MANE Select); coding-DNA position 2956, G replaced by C.
Protein change: p.Asp986His; replaces aspartic acid 986 with histidine.
Molecular consequence: missense variant.
Genome position (GRCh38, 1-based): chr16:53,641,035, C>G on the plus strand (G>C on the coding strand, the complement: RPGRIP1L is on the minus strand). VCF-style: chr16-53641035-C-G. GRCh37 (hg19) VCF-style: chr16-53674947-C-G.
Other names: c.2956G>C, p.Asp986His (NM_001127897.4, NM_001308334.3, NM_001330538.2); c.2956G>C (NM_015272.4, NM_015272.2); short protein forms D986H.
Identifiers: ClinVar variation 3580826 (VCV003580826.3).
Genomic context (GRCh38, chr16:53,641,035, plus strand): 5'-TAATTTATTTCAAATATTTGTTATGAAAAAATCAGTATTTTCAGTGTCTACTACTTACAT[C>G]ACTCTGATGTGGCATGATATCCACGAAAGATACCTTCTTATCTACAGGTGTTAAACGTTG-3'
Protein context (NP_056087.2, residues 976-996): SFVDIMPHQS[Asp986His]ETSPPPEDRK

ClinVar aggregate classification (germline): Uncertain significance. Review status: criteria provided, multiple submitters, no conflicts (2 of 4 stars). 3 submissions from 3 submitters: Uncertain significance (3). Last evaluated 2025-01-08.

Conditions:
Meckel syndrome, type 5 (MKS5). Identifiers: Orphanet 564, MedGen C1969052, MONDO:0012695, OMIM 611561.
COACH syndrome 3. Identifiers: MedGen C5436841, MONDO:0030862, OMIM 619113.
Joubert syndrome 7 (JBTS7). Identifiers: Orphanet 220497, MedGen C1969053, MONDO:0012694, OMIM 611560.
RPGRIP1L-related disorder. Also called: RPGRIP1L-related condition; RPGRIP1L-related disorders. Identifiers: MedGen CN239416.
Inborn genetic diseases. Identifiers: MedGen C0950123, MeSH D030342.

Submissions (3):

Ambry Genetics
Classification: Uncertain significance for Inborn genetic diseases. Last evaluated: 2025-01-08. Review status: criteria provided, single submitter. Criteria: Ambry Variant Classification Scheme 2023. Collection method: clinical testing. Allele origin: germline.

PreventionGenetics, part of Exact Sciences
Classification: Uncertain significance for RPGRIP1L-related condition. Last evaluated: 2024-11-18. Review status: criteria provided, single submitter. Criteria: ACMG Guidelines, 2015. Collection method: clinical testing. Allele origin: germline.
Comment: The RPGRIP1L c.2956G>C variant is predicted to result in the amino acid substitution p.Asp986His. To our knowledge, this variant has not been reported in the literature. This variant is reported in 0.0058% of alleles in individuals of Latino descent in gnomAD. At this time, the clinical significance of this variant is uncertain due to the absence of conclusive functional and genetic evidence.

Fulgent Genetics
Classification: Uncertain significance for Joubert syndrome 7; Meckel syndrome, type 5; COACH syndrome 3. Last evaluated: 2024-01-18. Review status: criteria provided, single submitter. Criteria: ACMG Guidelines, 2015. Collection method: clinical testing. Allele origin: germline.